The following is an entry in ClinVar:

NM_001003800.2(BICD2):c.2340G>A (p.Ser780=)

Gene: BICD2 (BICD cargo adaptor 2; minus strand). Cytogenetic location: 9q22.31.
Variant type: single nucleotide variant.
Coding change: c.2340G>A on transcript NM_001003800.2 (MANE Select); coding-DNA position 2340, G replaced by A.
Protein change: p.Ser780=; no amino-acid change (serine 780 retained).
Molecular consequence: synonymous variant.
Genome position (GRCh38, 1-based): chr9:92,715,382, C>T on the plus strand (G>A on the coding strand, the complement: BICD2 is on the minus strand). VCF-style: chr9-92715382-C-T. GRCh37 (hg19) VCF-style: chr9-95477664-C-T.
Other names: c.2340G>A, p.Ser780= (NM_015250.4).
Identifiers: ClinVar variation 388943 (VCV000388943.14), dbSNP rs754249319, ClinGen allele CA5126323.

ClinVar aggregate classification (germline): Likely benign. Review status: criteria provided, multiple submitters, no conflicts (2 of 4 stars). 3 submissions from 3 submitters: Likely benign (3). Last evaluated 2023-03-01.

Conditions:
Autosomal dominant childhood-onset proximal spinal muscular atrophy with contractures (SMALED2A). Also called: SPINAL MUSCULAR ATROPHY, LOWER EXTREMITY-PREDOMINANT, 2A, CHILDHOOD ONSET, AUTOSOMAL DOMINANT; Spinal muscular atrophy, lower extremity-predominant, 2A, autosomal dominant. Identifiers: Orphanet 363447, Orphanet 363454, MedGen C4747715, MONDO:0014121, OMIM 615290.
Inborn genetic diseases. Identifiers: MedGen C0950123, MeSH D030342.

Allele frequency attached by ClinVar (database versions not stated): ExAC 0.00001; gnomAD exomes 0.00001 and 0.00002; gnomAD 0.00002; TOPMed 0.00002.
gnomAD v4.1: 23 of 1,611,730 alleles (0.0014%); highest among the groups gnomAD compares: African/African-American, 0.0027%; no homozygotes.

Submissions (3):

Labcorp Genetics (formerly Invitae), Labcorp
Classification: Likely benign for Autosomal dominant childhood-onset proximal spinal muscular atrophy with contractures. Last evaluated: 2023-03-01. Review status: criteria provided, single submitter. Criteria: Invitae Variant Classification Sherloc (09022015). Collection method: clinical testing. Allele origin: germline.

Ambry Genetics
Classification: Likely benign for Inborn genetic diseases. Last evaluated: 2019-07-11. Review status: criteria provided, single submitter. Criteria: Ambry Variant Classification Scheme 2023. Collection method: clinical testing. Allele origin: germline.

GeneDx
Classification: Likely benign. Last evaluated: 2016-08-31. Review status: criteria provided, single submitter. Criteria: GeneDx Variant Classification (06012015). Collection method: clinical testing. Allele origin: germline. Affected: yes.
Comment: This variant is considered likely benign or benign based on one or more of the following criteria: it is a conservative change, it occurs at a poorly conserved position in the protein, it is predicted to be benign by multiple in silico algorithms, and/or has population frequency not consistent with disease.